The following is an entry in ClinVar:

NM_000551.4(VHL):c.340+577C>T

Genes: VHL (von Hippel-Lindau tumor suppressor; plus strand), LOC107303340 (3p25 von Hippel-Lindau tumor suppressor, E3 ubiquitin protein ligase Alu-mediated recombination region; plus strand). Cytogenetic location: 3p25.3.
Variant type: single nucleotide variant.
Coding change: c.340+577C>T on transcript NM_000551.4 (MANE Select); 577 bases into the intron after coding-DNA position 340, C replaced by T.
Molecular consequence: intron variant. On other transcripts: synonymous variant (1), non-coding transcript variant (1).
Genome position (GRCh38, 1-based): chr3:10,142,764, C>T. VCF-style: chr3-10142764-C-T. GRCh37 (hg19) VCF-style: chr3-10184448-C-T.
Other names: c.342C>T, p.Val114= (NM_001354723.2); c.340+577C>T (NM_198156.3).
Identifiers: ClinVar variation 1953695 (VCV001953695.4), dbSNP rs1696157821, ClinGen allele CA2580068418.

ClinVar aggregate classification (germline): Uncertain significance (1 of 4 stars; one submission).

Conditions:
Chuvash polycythemia. Also called: POLYCYTHEMIA, VHL-DEPENDENT. Identifiers: Orphanet 238557, MedGen C1837915, MONDO:0009892, OMIM 263400.
Von Hippel-Lindau syndrome (VHLS). Also called: Von Hippel-Lindau; von Hippel–Lindau syndrome; VHL syndrome. Identifiers: Orphanet 892, MedGen C0019562, MONDO:0008667, OMIM 193300. Disease mechanism: loss of function.

Submission:

Labcorp Genetics (formerly Invitae), Labcorp
Classification: Uncertain significance for Von Hippel-Lindau syndrome; Chuvash polycythemia. Last evaluated: 2023-11-09. Review status: criteria provided, single submitter. Criteria: Invitae Variant Classification Sherloc (09022015). Collection method: clinical testing. Allele origin: germline.
Comment: This sequence change falls in intron 1 of the VHL gene. It is not expected to change the encoded amino acid sequence of the VHL protein. However, this sequence change falls within a cryptic exon in the VHL gene, known as exon E1‚Äö√Ñ√¥, which is naturally expressed at low levels in several human tissues (PMID: 29891534). This variant is not present in population databases (gnomAD no frequency). This variant has not been reported in the literature in individuals affected with VHL-related conditions. ClinVar contains an entry for this variant (Variation ID: 1953695). Algorithms developed to predict the effect of sequence changes on RNA splicing suggest that this variant is not likely to affect RNA splicing. In summary, the available evidence is currently insufficient to determine the role of this variant in disease. Therefore, it has been classified as a Variant of Uncertain Significance.

Literature cited by the submitters: PubMed 29891534.